The following is an entry in ClinVar:

NM_001146262.4(SYT14):c.1068A>G (p.Glu356=)

Gene: SYT14 (synaptotagmin 14; plus strand). Cytogenetic location: 1q32.2.
Variant type: single nucleotide variant.
Coding change: c.1068A>G on transcript NM_001146262.4 (MANE Select); coding-DNA position 1068, A replaced by G.
Protein change: p.Glu356=; no amino-acid change (glutamic acid 356 retained).
Molecular consequence: synonymous variant.
Genome position (GRCh38, 1-based): chr1:210,100,365, A>G. VCF-style: chr1-210100365-A-G. GRCh37 (hg19) VCF-style: chr1-210273710-A-G.
Other names: c.1203A>G, p.Glu401= (NM_001146261.4, NM_001146264.4); c.954A>G, p.Glu318= (NM_001256006.3); c.1938A>G, p.Glu646= (NM_001397544.1, NM_001397545.1); c.1068A>G, p.Glu356= (NM_153262.5).
Identifiers: ClinVar variation 716187 (VCV000716187.9), dbSNP rs376509952, ClinGen allele CA1378369.
Genomic context (GRCh38, chr1:210,100,365, plus strand): 5'-GATGATTGGAAATTATGCAGTTCGGTTTAGACTGTATGGTGTACATCGCATGAAAAAAGA[A>G]AAGATTGTGGGGGAAAAGATTTTTTATTTAACAAAATTGAATCTTCAAGGGAAAATGTCA-3'
Protein context (NP_001139734.1, residues 346-366): RLYGVHRMKK[Glu356=]KIVGEKIFYL

ClinVar aggregate classification (germline): Benign/Likely benign. Review status: criteria provided, multiple submitters, no conflicts (2 of 4 stars). 4 submissions from 4 submitters: Benign (1); Likely benign (2). 1 of the submissions does not count toward it. Last evaluated 2024-10-11.

Conditions:
SYT14-related disorder. Also called: SYT14-related condition.

Allele frequency attached by ClinVar (database versions not stated): ExAC 0.00105; 1000 Genomes Project 30x 0.00016; 1000 Genomes Project 0.00020; ESP Exome Variant Server 0.00023; TOPMed 0.00045; gnomAD 0.00046; gnomAD exomes 0.00075 and 0.00076.
gnomAD v4.1: 1,169 of 1,613,954 alleles (0.072%); highest among the groups gnomAD compares: Non-Finnish European, 0.09%; no homozygotes.

Submissions (4):

Blueprint Genetics
Classification: Likely benign. Last evaluated: 2024-10-11. Review status: criteria provided, single submitter. Criteria: ACMG Guidelines, 2015. Collection method: clinical testing. Allele origin: germline.

Athena Diagnostics
Classification: Benign. Last evaluated: 2023-12-04. Review status: criteria provided, single submitter. Criteria: Athena Diagnostics Criteria. Collection method: clinical testing. Allele origin: unknown.

Labcorp Genetics (formerly Invitae), Labcorp
Classification: Likely benign. Last evaluated: 2018-07-10. Review status: criteria provided, single submitter. Criteria: Invitae Variant Classification Sherloc (09022015). Collection method: clinical testing. Allele origin: germline.

PreventionGenetics, part of Exact Sciences
Classification: Likely benign for SYT14-related condition. Last evaluated: 2019-03-07. Review status: no assertion criteria provided. Collection method: clinical testing. Allele origin: germline. Not counted in ClinVar's aggregate classification.
Comment: This variant is classified as likely benign based on ACMG/AMP sequence variant interpretation guidelines (Richards et al. 2015 PMID: 25741868, with internal and published modifications).